The following is an entry in ClinVar:

ClinVar aggregate classification (germline): Pathogenic (1 of 4 stars; one submission).

Conditions:
Primary ciliary dyskinesia. Also called: Ciliary dyskinesia. Identifiers: Orphanet 244, MedGen C0008780, MONDO:0016575, HP:0012265.

Submission:

Labcorp Genetics (formerly Invitae), Labcorp
Classification: Pathogenic for Primary ciliary dyskinesia. Last evaluated: 2021-12-03. Review status: criteria provided, single submitter. Criteria: Invitae Variant Classification Sherloc (09022015). Collection method: clinical testing. Allele origin: germline.
Comment: For these reasons, this variant has been classified as Pathogenic. This variant has not been reported in the literature in individuals affected with DNAI1-related conditions. This variant is a gross deletion of the genomic region encompassing exon(s) 5 of the DNAI1 gene. This deletion is out-of-frame, and is expected to create a premature termination codon and result in an absent or disrupted protein product. Loss-of-function variants in DNAI1 are known to be pathogenic (PMID: 16858015, 29363216).

Literature cited by the submitters: PubMed 16858015; PubMed 29363216.

NC_000009.11:g.(?_34489311)_(34489457_?)del

Gene: DNAI1 (dynein axonemal intermediate chain 1; plus strand). Cytogenetic location: 9p13.3.
Variant type: Deletion.
Identifiers: ClinVar variation 2425768 (VCV002425768.12).